The following is an entry in ClinVar:

ClinVar aggregate classification (germline): Likely benign (0 of 4 stars; one submission).

Conditions:
SASH1-related disorder. Also called: SASH1-related condition.

Submission:

PreventionGenetics, part of Exact Sciences
Classification: Likely benign for SASH1-related condition. Last evaluated: 2019-05-29. Review status: no assertion criteria provided. Collection method: clinical testing. Allele origin: germline.
Comment: This variant is classified as likely benign based on ACMG/AMP sequence variant interpretation guidelines (Richards et al. 2015 PMID: 25741868, with internal and published modifications).

NM_015278.5(SASH1):c.428-4dup

Gene: SASH1 (SAM and SH3 domain containing 1; plus strand). Cytogenetic location: 6q24.3.
Variant type: Duplication.
Coding change: c.428-4dup on transcript NM_015278.5 (MANE Select); 4 bases into the intron before coding-DNA position 428, one base duplicated (T; older notation c.428-4dupT).
Molecular consequence: intron variant.
Genome position (GRCh38, 1-based): chr6:148,471,413, T duplicated; the last of 27 consecutive T bases (chr6:148,471,387-148,471,413); duplicating any one gives the same sequence. VCF-style (leftmost placement, unchanged base first): chr6-148471386-C-CT. GRCh37 (hg19) VCF-style: chr6-148792522-C-CT.
Other names: c.293-4dup (NM_001346505.2); c.56-4dup (NM_001346506.2).
Identifiers: ClinVar variation 3039458 (VCV003039458.2), dbSNP rs35487674, ClinGen allele CA820540953.